The following is an entry in ClinVar:

ClinVar aggregate classification (germline): Uncertain significance (1 of 4 stars; one submission).

Conditions:
Pierson syndrome. Also called: MICROCORIA-CONGENITAL NEPHROTIC SYNDROME. Identifiers: Orphanet 2670, MedGen C1836876, MONDO:0012184, OMIM 609049.
LAMB2-related infantile-onset nephrotic syndrome. Also called: NEPHROTIC SYNDROME, TYPE 5, WITHOUT OCULAR ABNORMALITIES; NEPHROTIC SYNDROME, TYPE 5, WITH OCULAR ABNORMALITIES; Nephrotic Syndrome, type 5. Identifiers: Orphanet 306507, MedGen C3280113, MONDO:0013621, OMIM 614199.

Submission:

Labcorp Genetics (formerly Invitae), Labcorp
Classification: Uncertain significance for LAMB2-related infantile-onset nephrotic syndrome; Pierson syndrome. Last evaluated: 2022-11-22. Review status: criteria provided, single submitter. Criteria: Invitae Variant Classification Sherloc (09022015). Collection method: clinical testing. Allele origin: germline.
Comment: This sequence change replaces cysteine, which is neutral and slightly polar, with tyrosine, which is neutral and polar, at codon 202 of the LAMB2 protein (p.Cys202Tyr). In summary, the available evidence is currently insufficient to determine the role of this variant in disease. Therefore, it has been classified as a Variant of Uncertain Significance. Algorithms developed to predict the effect of missense changes on protein structure and function (SIFT, PolyPhen-2, Align-GVGD) all suggest that this variant is likely to be disruptive. ClinVar contains an entry for this variant (Variation ID: 647756). This variant has not been reported in the literature in individuals affected with LAMB2-related conditions. This variant is not present in population databases (gnomAD no frequency).

NM_002292.4(LAMB2):c.605G>A (p.Cys202Tyr)

Gene: LAMB2 (laminin subunit beta 2; minus strand). Cytogenetic location: 3p21.31.
Variant type: single nucleotide variant.
Coding change: c.605G>A on transcript NM_002292.4 (MANE Select); coding-DNA position 605, G replaced by A.
Protein change: p.Cys202Tyr; replaces cysteine 202 with tyrosine.
Molecular consequence: missense variant.
Genome position (GRCh38, 1-based): chr3:49,131,578, C>T on the plus strand (G>A on the coding strand, the complement: LAMB2 is on the minus strand). VCF-style: chr3-49131578-C-T. GRCh37 (hg19) VCF-style: chr3-49169011-C-T.
Other names: short protein forms C202Y.
Identifiers: ClinVar variation 647756 (VCV000647756.6), dbSNP rs1575537041, ClinGen allele CA352750103.